The following is an entry in ClinVar:

NM_001346754.2(PIGW):c.1249C>G (p.Pro417Ala)

Genes: MYO19 (myosin XIX; minus strand), PIGW (phosphatidylinositol glycan anchor biosynthesis class W; plus strand). Cytogenetic location: 17q12.
Variant type: single nucleotide variant.
Coding change: c.1249C>G on transcript NM_001346754.2 (MANE Select); coding-DNA position 1249, C replaced by G.
Protein change: p.Pro417Ala; replaces proline 417 with alanine.
Molecular consequence: missense variant.
Genome position (GRCh38, 1-based): chr17:36,538,350, C>G. VCF-style: chr17-36538350-C-G. GRCh37 (hg19) VCF-style: chr17-34894199-C-G.
Other names: c.1249C>G, p.Pro417Ala (NM_001346755.2, NM_178517.5); short protein forms P417A.
Identifiers: ClinVar variation 2013548 (VCV002013548.4), dbSNP rs1400263762, ClinGen allele CA399164567.
Genomic context (GRCh38, chr17:36,538,350, plus strand): 5'-TTTGCCAAATTTCTAATTAAAGGAGCTCTAGTACCATGTTCTTGGAAACTTATCCAGTCA[C>G]CTGTTACAAATAAAAAGCATTCAGAATCTCTAGTCCCTGAAGCCGAAAGAATGGAACCCA-3'
Protein context (NP_001333683.1, residues 407-427): VPCSWKLIQS[Pro417Ala]VTNKKHSESL

ClinVar aggregate classification (germline): Uncertain significance (1 of 4 stars; one submission).

Conditions:
Hyperphosphatasia with intellectual disability syndrome 5 (GPIBD11). Also called: GLYCOSYLPHOSPHATIDYLINOSITOL BIOSYNTHESIS DEFECT 11. Identifiers: Orphanet 247262, MedGen C4014958, MONDO:0014457, OMIM 616025.

Allele frequency attached by ClinVar (database versions not stated): gnomAD exomes below 0.00001; gnomAD 0.00001; TOPMed 0.00002.
gnomAD v4.1: 3 of 1,614,022 alleles (0.00019%); highest among the groups gnomAD compares: African/African-American, 0.0027%; no homozygotes.

Submission:

Labcorp Genetics (formerly Invitae), Labcorp
Classification: Uncertain significance for Hyperphosphatasia with intellectual disability syndrome 5. Last evaluated: 2022-07-03. Review status: criteria provided, single submitter. Criteria: Invitae Variant Classification Sherloc (09022015). Collection method: clinical testing. Allele origin: germline.
Comment: In summary, the available evidence is currently insufficient to determine the role of this variant in disease. Therefore, it has been classified as a Variant of Uncertain Significance. Algorithms developed to predict the effect of missense changes on protein structure and function (SIFT, PolyPhen-2, Align-GVGD) all suggest that this variant is likely to be tolerated. This variant has not been reported in the literature in individuals affected with PIGW-related conditions. This variant is not present in population databases (gnomAD no frequency). This sequence change replaces proline, which is neutral and non-polar, with alanine, which is neutral and non-polar, at codon 417 of the PIGW protein (p.Pro417Ala).